The following is an entry in ClinVar:

ClinVar aggregate classification (germline): Likely benign. Review status: criteria provided, multiple submitters, no conflicts (2 of 4 stars). 2 submissions from 2 submitters: Likely benign (2). Last evaluated 2025-03-05.

Conditions:
Familial hypobetalipoproteinemia 1. Also called: Hypobetalipoproteinemia, normotriglyceridemic; Acanthocytosis with hypobetalipoproteinemia; APOB-Related Familial Hypobetalipoproteinemia. Identifiers: MedGen C4551990, MONDO:0014252, OMIM 615558.
Hypercholesterolemia, autosomal dominant, type B (FHCL2). Also called: Familial Hypercholesterolemia Type B; HYPERCHOLESTEROLEMIA, FAMILIAL, DUE TO LIGAND-DEFECTIVE APOLIPOPROTEIN B; Familial hypercholesterolemia 2; APOB-Related Familial Hypercholesterolemia, Autosomal Dominant; APOLIPOPROTEIN B-100, FAMILIAL DEFECTIVE; APOLIPOPROTEIN B-100, FAMILIAL LIGAND-DEFECTIVE. Identifiers: MedGen C1704417, MONDO:0007751, OMIM 144010.
Familial hypercholesterolemia. Also called: Familial hypercholesterolemias; Familial hypercholesterolaemia. Identifiers: MedGen C0020445, MONDO:0005439.

Allele frequency attached by ClinVar (database versions not stated): gnomAD exomes below 0.00001 and 0.00001.
gnomAD v4.1: 23 of 1,614,212 alleles (0.0014%); highest among the groups gnomAD compares: Non-Finnish European, 0.0018%; no homozygotes.

Submissions (2):

GENinCode PLC
Classification: Likely benign for Familial hypercholesterolemia. Last evaluated: 2025-03-05. Review status: criteria provided, single submitter. Criteria: ACMG Guidelines, 2015. Collection method: clinical testing. Allele origin: germline.
Comment: This is a synonymous (silent) variant that is not predicted to impact splicing and occurs at a nucleotide which is not highly conserved. This variant has been classified as Likely Benign (BP4, BP7).

Labcorp Genetics (formerly Invitae), Labcorp
Classification: Likely benign for Familial hypobetalipoproteinemia 1; Hypercholesterolemia, autosomal dominant, type B. Last evaluated: 2022-05-07. Review status: criteria provided, single submitter. Criteria: Invitae Variant Classification Sherloc (09022015). Collection method: clinical testing. Allele origin: germline.

NM_000384.3(APOB):c.1584C>A (p.Ile528=)

Gene: APOB (apolipoprotein B; minus strand). Cytogenetic location: 2p24.1.
Variant type: single nucleotide variant.
Coding change: c.1584C>A on transcript NM_000384.3 (MANE Select); coding-DNA position 1584, C replaced by A.
Protein change: p.Ile528=; no amino-acid change (isoleucine 528 retained).
Molecular consequence: synonymous variant.
Genome position (GRCh38, 1-based): chr2:21,029,672, G>T on the plus strand (C>A on the coding strand, the complement: APOB is on the minus strand). VCF-style: chr2-21029672-G-T. GRCh37 (hg19) VCF-style: chr2-21252544-G-T.
Identifiers: ClinVar variation 926120 (VCV000926120.8), dbSNP rs1456679362, ClinGen allele CA425138214.